The following is an entry in ClinVar:

NM_014956.5(CEP164):c.2988G>T (p.Gln996His)

Gene: CEP164 (centrosomal protein 164; plus strand). Cytogenetic location: 11q23.3.
Variant type: single nucleotide variant.
Coding change: c.2988G>T on transcript NM_014956.5 (MANE Select); coding-DNA position 2988, G replaced by T.
Protein change: p.Gln996His; replaces glutamine 996 with histidine.
Molecular consequence: missense variant.
Genome position (GRCh38, 1-based): chr11:117,395,621, G>T. VCF-style: chr11-117395621-G-T. GRCh37 (hg19) VCF-style: chr11-117266337-G-T.
Other names: c.2997G>T, p.Gln999His (NM_001271933.2); short protein forms Q999H, Q996H.
Identifiers: ClinVar variation 1465097 (VCV001465097.6), dbSNP rs1565593444, ClinGen allele CA382731738.

ClinVar aggregate classification (germline): Uncertain significance (1 of 4 stars; one submission).

Conditions:
Nephronophthisis 15 (NPHP15). Identifiers: Orphanet 3156, MedGen C3541853, MONDO:0013917, OMIM 614845.

Allele frequency attached by ClinVar (database versions not stated): gnomAD exomes below 0.00001.

Submission:

Labcorp Genetics (formerly Invitae), Labcorp
Classification: Uncertain significance for Nephronophthisis 15. Last evaluated: 2022-07-19. Review status: criteria provided, single submitter. Criteria: Invitae Variant Classification Sherloc (09022015). Collection method: clinical testing. Allele origin: germline.
Comment: In summary, the available evidence is currently insufficient to determine the role of this variant in disease. Therefore, it has been classified as a Variant of Uncertain Significance. Algorithms developed to predict the effect of missense changes on protein structure and function (SIFT, PolyPhen-2, Align-GVGD) all suggest that this variant is likely to be tolerated. ClinVar contains an entry for this variant (Variation ID: 1465097). This variant has not been reported in the literature in individuals affected with CEP164-related conditions. This variant is not present in population databases (gnomAD no frequency). This sequence change replaces glutamine, which is neutral and polar, with histidine, which is basic and polar, at codon 996 of the CEP164 protein (p.Gln996His).